The following is an entry in ClinVar:

NM_020702.5(MYORG):c.2020G>A (p.Asp674Asn)

Gene: MYORG (myogenesis regulating glycosidase (putative); minus strand). Cytogenetic location: 9p13.3.
Variant type: single nucleotide variant.
Coding change: c.2020G>A on transcript NM_020702.5 (MANE Select); coding-DNA position 2020, G replaced by A.
Protein change: p.Asp674Asn; replaces aspartic acid 674 with asparagine.
Molecular consequence: missense variant.
Genome position (GRCh38, 1-based): chr9:34,370,924, C>T on the plus strand (G>A on the coding strand, the complement: MYORG is on the minus strand). VCF-style: chr9-34370924-C-T. GRCh37 (hg19) VCF-style: chr9-34370922-C-T.
Other names: short protein forms D674N.
Identifiers: ClinVar variation 1312194 (VCV001312194.2), dbSNP rs1820580189, ClinGen allele CA373239459.

ClinVar aggregate classification (germline): Uncertain significance (1 of 4 stars; one submission).

Allele frequency attached by ClinVar (database versions not stated): TOPMed below 0.00001.

Submission:

GeneDx
Classification: Uncertain significance. Last evaluated: 2019-09-21. Review status: criteria provided, single submitter. Criteria: GeneDx Variant Classification Process June 2021. Collection method: clinical testing. Allele origin: germline. Affected: yes.
Comment: Not observed in large population cohorts (Lek et al., 2016); In silico analysis, which includes protein predictors and evolutionary conservation, supports a deleterious effect; Has not been previously published as pathogenic or benign to our knowledge